The following is an entry in ClinVar:

NM_001386140.1(MTTP):c.1881_1882delinsACTGTCTCTTATACA (p.Ala628fs)

Gene: MTTP (microsomal triglyceride transfer protein; plus strand). Cytogenetic location: 4q23.
Variant type: Indel.
Coding change: c.1881_1882delinsACTGTCTCTTATACA on transcript NM_001386140.1 (MANE Select); coding-DNA positions 1881 to 1882, GG replaced by ACTGTCTCTTATACA.
Protein change: p.Ala628fs; shifts the reading frame from alanine 628.
Molecular consequence: frameshift variant.
Genome position (GRCh38, 1-based): chr4:99,611,345-99,611,346, GG replaced by ACTGTCTCTTATACA. VCF-style: chr4-99611345-GG-ACTGTCTCTTATACA. GRCh37 (hg19) VCF-style: chr4-100532502-GG-ACTGTCTCTTATACA.
Other names: c.1881_1882delinsACTGTCTCTTATACA, p.Ala628fs (NM_000253.4); c.1632_1633delinsACTGTCTCTTATACA, p.Ala545fs (NM_001300785.2); short protein forms A545fs, A628fs.
Identifiers: ClinVar variation 5010501 (VCV005010501.1).

ClinVar aggregate classification (germline): Pathogenic (1 of 4 stars; one submission).

Conditions:
Abetalipoproteinaemia (ABL). Also called: MTP DEFICIENCY; Abetalipoproteinemia; Abetalipoproteinemia neuropathy; Apolipoprotein B deficiency; Congenital betalipoprotein deficiency syndrome. Identifiers: Orphanet 14, MedGen C0000744, MONDO:0008692, OMIM 200100, HP:0008181.

Submission:

Myriad Genetics, Inc.
Classification: Pathogenic for Abetalipoproteinaemia. Last evaluated: 2024-05-14. Review status: criteria provided, single submitter. Criteria: Myriad Autosomal Dominant, Autosomal Recessive and X-Linked Classification Criteria (2023). Collection method: clinical testing. Allele origin: unknown.
Comment: NM_000253.2(MTTP):c.1881_1882del2ins15(A628Lfs*24) is expected to be pathogenic in the context of abetalipoproteinemia. This variant is predicted to lead to an abnormal or absent protein product due to the creation of a premature termination codon in MTTP, a gene where loss-of-function variants are known to be pathogenic. Please note: this variant was assessed in the context of healthy population screening.